The following is an entry in ClinVar:

ClinVar aggregate classification (germline): Conflicting classifications of pathogenicity. Review status: criteria provided, conflicting classifications (1 of 4 stars). 2 submissions from 2 submitters: Uncertain significance (1); Likely benign (1). Last evaluated 2026-07-07.

Conditions:
Hereditary cancer-predisposing syndrome. Also called: Tumor predisposition; Hereditary neoplastic syndrome; Neoplastic Syndromes, Hereditary; Hereditary Cancer Syndrome. Identifiers: Orphanet 140162, MedGen C0027672, MeSH D009386, MONDO:0015356.

Allele frequency attached by ClinVar (database versions not stated): gnomAD exomes below 0.00001; TOPMed below 0.00001; ExAC 0.00001; gnomAD 0.00001.
gnomAD v4.1: 2 of 1,612,908 alleles (0.00012%); highest among the groups gnomAD compares: Admixed American, 0.0017%; no homozygotes.

Submissions (2):

Ambry Genetics
Classification: Likely benign for Hereditary cancer-predisposing syndrome. Last evaluated: 2026-07-07. Review status: criteria provided, single submitter. Criteria: Ambry Variant Classification Scheme 2023. Collection method: clinical testing. Allele origin: germline.

Labcorp Genetics (formerly Invitae), Labcorp
Classification: Uncertain significance. Last evaluated: 2023-12-14. Review status: criteria provided, single submitter. Criteria: Invitae Variant Classification Sherloc (09022015). Collection method: clinical testing. Allele origin: germline.
Comment: This sequence change replaces valine, which is neutral and non-polar, with isoleucine, which is neutral and non-polar, at codon 1387 of the POLE protein (p.Val1387Ile). This variant is present in population databases (rs773875534, gnomAD 0.003%). This variant has not been reported in the literature in individuals affected with POLE-related conditions. ClinVar contains an entry for this variant (Variation ID: 849701). Advanced modeling of protein sequence and biophysical properties (such as structural, functional, and spatial information, amino acid conservation, physicochemical variation, residue mobility, and thermodynamic stability) performed at Invitae indicates that this missense variant is not expected to disrupt POLE protein function with a negative predictive value of 80%. In summary, the available evidence is currently insufficient to determine the role of this variant in disease. Therefore, it has been classified as a Variant of Uncertain Significance.

NM_006231.4(POLE):c.4159G>A (p.Val1387Ile)

Gene: POLE (DNA polymerase epsilon, catalytic subunit; minus strand). Cytogenetic location: 12q24.33.
Variant type: single nucleotide variant.
Coding change: c.4159G>A on transcript NM_006231.4 (MANE Select); coding-DNA position 4159, G replaced by A.
Protein change: p.Val1387Ile; replaces valine 1387 with isoleucine.
Molecular consequence: missense variant.
Genome position (GRCh38, 1-based): chr12:132,643,968, C>T on the plus strand (G>A on the coding strand, the complement: POLE is on the minus strand). VCF-style: chr12-132643968-C-T. GRCh37 (hg19) VCF-style: chr12-133220554-C-T.
Other names: c.4159G>A (NM_006231.2); short protein forms V1387I.
Identifiers: ClinVar variation 849701 (VCV000849701.10), dbSNP rs773875534, ClinGen allele CA6892959.